The following is an entry in ClinVar:

ClinVar aggregate classification (germline): Uncertain significance. Review status: criteria provided, multiple submitters, no conflicts (2 of 4 stars). 3 submissions from 3 submitters: Uncertain significance (3). Last evaluated 2024-10-23.

Conditions:
Diamond-Blackfan anemia. Also called: Blackfan Diamond syndrome; Aregenerative anemia chronic congenital; Red cell aplasia, pure hereditary; Congenital hypoplastic anemia; Aase syndrome. Identifiers: Orphanet 124, MedGen C1260899, MeSH D029503, MONDO:0015253, HP:0004810.
Diamond-Blackfan anemia 6 (DBA6). Also called: RPL5-Related Diamond-Blackfan Anemia. Identifiers: Orphanet 124, MedGen C2931850, MONDO:0012937, OMIM 612561.

Allele frequency attached by ClinVar (database versions not stated): gnomAD exomes below 0.00001; gnomAD 0.00001.
gnomAD v4.1: 4 of 1,609,648 alleles (0.00025%); highest among the groups gnomAD compares: Admixed American, 0.005%; no homozygotes.

Submissions (3):

Revvity Omics, Revvity
Classification: Uncertain significance for Diamond-Blackfan anemia 6. Last evaluated: 2024-10-23. Review status: criteria provided, single submitter. Criteria: ACMG Guidelines, 2015. Collection method: clinical testing. Allele origin: germline.

Fulgent Genetics
Classification: Uncertain significance for Diamond-Blackfan anemia 6. Last evaluated: 2024-02-06. Review status: criteria provided, single submitter. Criteria: ACMG Guidelines, 2015. Collection method: clinical testing. Allele origin: germline.

Labcorp Genetics (formerly Invitae), Labcorp
Classification: Uncertain significance for Diamond-Blackfan anemia. Last evaluated: 2022-07-12. Review status: criteria provided, single submitter. Criteria: Invitae Variant Classification Sherloc (09022015). Collection method: clinical testing. Allele origin: germline.
Comment: This sequence change replaces glutamic acid, which is acidic and polar, with alanine, which is neutral and non-polar, at codon 260 of the RPL5 protein (p.Glu260Ala). This variant is present in population databases (no rsID available, gnomAD 0.006%). This variant has not been reported in the literature in individuals affected with RPL5-related conditions. Algorithms developed to predict the effect of missense changes on protein structure and function are either unavailable or do not agree on the potential impact of this missense change (SIFT: "Tolerated"; PolyPhen-2: "Probably Damaging"; Align-GVGD: "Class C0"). In summary, the available evidence is currently insufficient to determine the role of this variant in disease. Therefore, it has been classified as a Variant of Uncertain Significance.

NM_000969.5(RPL5):c.779A>C (p.Glu260Ala)

Genes: DIPK1A (divergent protein kinase domain 1A; minus strand), RPL5 (ribosomal protein L5; plus strand). Cytogenetic location: 1p22.1.
Variant type: single nucleotide variant.
Coding change: c.779A>C on transcript NM_000969.5 (MANE Select); coding-DNA position 779, A replaced by C.
Protein change: p.Glu260Ala; replaces glutamic acid 260 with alanine.
Molecular consequence: missense variant. On other transcripts: non-coding transcript variant (1), intron variant (1).
Genome position (GRCh38, 1-based): chr1:92,840,624, A>C. VCF-style: chr1-92840624-A-C. GRCh37 (hg19) VCF-style: chr1-93306181-A-C.
Other names: c.474+6559T>G (NM_001252273.2); short protein forms E260A.
Identifiers: ClinVar variation 2202564 (VCV002202564.3), dbSNP rs1177042127, ClinGen allele CA341243731.
Genomic context (GRCh38, chr1:92,840,624, plus strand): 5'-ATAAGAAAGCTCATGCTGCTATACGAGAGAATCCAGTCTATGAAAAGAAGCCCAAGAAAG[A>C]AGTTAAAAAGAAGAGGTATGTCGTCTTTTTTTTTGTCTTTTCAAGAAAACAGGTTGGGAA-3'
Protein context (NP_000960.2, residues 250-270): NPVYEKKPKK[Glu260Ala]VKKKRWNRPK